The following is an entry in ClinVar:

ClinVar aggregate classification (germline): Pathogenic (1 of 4 stars; one submission).

Conditions:
Epilepsy, familial focal, with variable foci 1 (FFEVF1). Also called: DEPDC5-Related Epilepsy. Identifiers: MedGen C4551983, MONDO:0024556, OMIM 604364.

Submission:

Institute of Human Genetics, University of Leipzig Medical Center
Classification: Pathogenic for Epilepsy, familial focal, with variable foci 1. Last evaluated: 2025-10-28. Review status: criteria provided, single submitter. Criteria: ACMG Guidelines, 2015. Collection method: clinical testing. Allele origin: unknown. Inheritance: Autosomal dominant inheritance. Affected: yes.
Comment: Criteria applied: PVS1,PM2

NM_001242896.3(DEPDC5):c.3252_3253insGGTGGAC (p.Ser1085fs)

Gene: DEPDC5 (DEP domain containing 5, GATOR1 subcomplex subunit; plus strand). Cytogenetic location: 22q12.3.
Variant type: Insertion.
Coding change: c.3252_3253insGGTGGAC on transcript NM_001242896.3 (MANE Select); coding-DNA positions 3252 to 3253, GGTGGAC inserted.
Protein change: p.Ser1085fs; shifts the reading frame from serine 1085.
Molecular consequence: frameshift variant. On other transcripts: non-coding transcript variant (5).
Genome position: GRCh38 VCF-style: chr22-31857536-A-ATGGACGG. GRCh37 (hg19) VCF-style: chr22-32253522-A-ATGGACGG.
Other names: c.3225_3226insGGTGGAC, p.Ser1076fs (NM_001136029.4, NM_001369903.1, NM_014662.6); c.3018_3019insGGTGGAC, p.Ser1007fs (NM_001242897.2, NM_001363854.2, NM_001364319.2); c.3252_3253insGGTGGAC, p.Ser1085fs (NM_001363852.2, NM_001364318.2, NM_001364320.2); c.3168_3169insGGTGGAC, p.Ser1057fs (NM_001369901.1, NM_001369902.1); short protein forms S1007fs, S1057fs, S1076fs, S1085fs.
Identifiers: ClinVar variation 4530570 (VCV004530570.1).